The following is an entry in ClinVar:

ClinVar aggregate classification (germline): Likely benign. Review status: criteria provided, single submitter (1 of 4 stars). 3 submissions from 3 submitters: Likely benign (1). 2 of the submissions do not count toward it. Last evaluated 2025-12-12.

Conditions:
ATRX-related disorder. Also called: ATRX-related condition.
Alpha thalassemia-X-linked intellectual disability syndrome (ATRX). Also called: X-linked alpha-thalassemia-mental retardation syndrome; ALPHA-THALASSEMIA/IMPAIRED INTELLECTUAL DEVELOPMENT SYNDROME, X-LINKED; ALPHA-THALASSEMIA/MENTAL RETARDATION SYNDROME, X-LINKED; ATR, NONDELETION TYPE; ATR-X syndrome; Alpha thalassemia mental retardation syndrome, nondeletion type, X-linked. Identifiers: Orphanet 847, MedGen C1845055, MONDO:0010519, OMIM 301040.

Allele frequency attached by ClinVar (database versions not stated): TOPMed 0.00003; gnomAD exomes 0.00002 and 0.00007; gnomAD 0.00002; ExAC 0.00003.
gnomAD v4.1: 25 of 1,204,208 alleles (0.0021%); highest among the groups gnomAD compares: Admixed American, 0.028%; no homozygotes.

Submissions (3):

Labcorp Genetics (formerly Invitae), Labcorp
Classification: Likely benign for Alpha thalassemia-X-linked intellectual disability syndrome. Last evaluated: 2025-12-12. Review status: criteria provided, single submitter. Criteria: Invitae Variant Classification Sherloc (09022015). Collection method: clinical testing. Allele origin: germline.

Natera, Inc.
Classification: Likely benign for X-linked alpha-thalassemia-mental retardation syndrome. Last evaluated: 2021-06-28. Review status: no assertion criteria provided. Collection method: clinical testing. Allele origin: germline. Not counted in ClinVar's aggregate classification.

PreventionGenetics, part of Exact Sciences
Classification: Likely benign for ATRX-related condition. Last evaluated: 2019-02-26. Review status: no assertion criteria provided. Collection method: clinical testing. Allele origin: germline. Not counted in ClinVar's aggregate classification.
Comment: This variant is classified as likely benign based on ACMG/AMP sequence variant interpretation guidelines (Richards et al. 2015 PMID: 25741868, with internal and published modifications).

NM_000489.6(ATRX):c.366A>G (p.Pro122=)

Gene: ATRX (ATRX chromatin remodeler; minus strand). Cytogenetic location: Xq21.1.
Variant type: single nucleotide variant.
Coding change: c.366A>G on transcript NM_000489.6 (MANE Select); coding-DNA position 366, A replaced by G.
Protein change: p.Pro122=; no amino-acid change (proline 122 retained).
Molecular consequence: synonymous variant.
Genome position (GRCh38, 1-based): chrX:77,696,581, T>C on the plus strand (A>G on the coding strand, the complement: ATRX is on the minus strand). VCF-style: chrX-77696581-T-C. GRCh37 (hg19) VCF-style: chrX-76952069-T-C.
Other names: c.366A>G (NM_000489.4); c.366A>G, p.Pro122= (NM_138270.5).
Identifiers: ClinVar variation 1157106 (VCV001157106.13), dbSNP rs782564172, ClinGen allele CA10458324.